The following is an entry in ClinVar:

NM_001098668.4(SFTPA2):c.371-13C>G

Gene: SFTPA2 (surfactant protein A2; minus strand). Cytogenetic location: 10q22.3.
Variant type: single nucleotide variant.
Coding change: c.371-13C>G on transcript NM_001098668.4 (MANE Select); 13 bases into the intron before coding-DNA position 371, C replaced by G.
Molecular consequence: intron variant.
Genome position (GRCh38, 1-based): chr10:79,557,598, G>C on the plus strand (C>G on the coding strand, the complement: SFTPA2 is on the minus strand). VCF-style: chr10-79557598-G-C. GRCh37 (hg19) VCF-style: chr10-81317354-G-C.
Other names: c.371-13C>G (NM_001320813.2); c.401-13C>G (NM_001320814.1).
Identifiers: ClinVar variation 229248 (VCV000229248.5), dbSNP rs755092596, ClinGen allele CA5574049.

ClinVar aggregate classification (germline): Uncertain significance (1 of 4 stars; one submission).

Allele frequency attached by ClinVar (database versions not stated): ExAC below 0.00001; gnomAD exomes below 0.00001; gnomAD 0.00011 and 0.00012; TOPMed 0.00015; 1000 Genomes Project 30x 0.00016.
gnomAD v4.1: 23 of 1,589,166 alleles (0.0014%); highest among the groups gnomAD compares: African/African-American, 0.03%; no homozygotes.

Submission:

Laboratory for Molecular Medicine, Mass General Brigham Personalized Medicine
Classification: Uncertain significance. Last evaluated: 2016-02-15. Review status: criteria provided, single submitter. Criteria: LMM Criteria. Collection method: clinical testing. Allele origin: germline. Observed: 1 variant allele.
Comment: The c.371-13C>G variant in SFTPA2 has not been previously reported in individual s with pulmonary disease. This variant is present in dbSNP (rs755092596) but fre quency data was not available. Computational prediction tools and conservation a nalysis are limited or unavailable for this variant. This variant is located in the 3' splice region. Computational tools do not suggest an impact to splicing. However, this information is not predictive enough to rule out pathogenicity. In summary, the clinical significance of the c.371-13C>G variant is uncertain.